The following is an entry in ClinVar:

ClinVar aggregate classification (germline): Uncertain significance (1 of 4 stars; one submission).

Conditions:
Hereditary cancer-predisposing syndrome. Also called: Tumor predisposition; Hereditary Cancer Syndrome; Hereditary neoplastic syndrome; Neoplastic Syndromes, Hereditary. Identifiers: Orphanet 140162, MedGen C0027672, MeSH D009386, MONDO:0015356.

Submission:

Ambry Genetics
Classification: Uncertain significance for Hereditary cancer-predisposing syndrome. Last evaluated: 2024-04-28. Review status: criteria provided, single submitter. Criteria: Ambry Variant Classification Scheme 2023. Collection method: clinical testing. Allele origin: germline.
Comment: The p.L290F variant (also known as c.868C>T), located in coding exon 9 of the NF2 gene, results from a C to T substitution at nucleotide position 868. The leucine at codon 290 is replaced by phenylalanine, an amino acid with highly similar properties. This amino acid position is conserved. In addition, this alteration is predicted to be deleterious by in silico analysis. Based on the available evidence, the clinical significance of this variant remains unclear.

NM_000268.4(NF2):c.868C>T (p.Leu290Phe)

Gene: NF2 (NF2, moesin-ezrin-radixin like (MERLIN) tumor suppressor; plus strand). Cytogenetic location: 22q12.2.
Variant type: single nucleotide variant.
Coding change: c.868C>T on transcript NM_000268.4 (MANE Select); coding-DNA position 868, C replaced by T.
Protein change: p.Leu290Phe; replaces leucine 290 with phenylalanine.
Molecular consequence: missense variant. On other transcripts: non-coding transcript variant (1), intron variant (1).
Genome position (GRCh38, 1-based): chr22:29,665,047, C>T. VCF-style: chr22-29665047-C-T. GRCh37 (hg19) VCF-style: chr22-30061036-C-T.
Other names: c.754C>T, p.Leu252Phe (NM_001407053.1, NM_001407056.1); c.745C>T, p.Leu249Phe (NM_001407054.1, NM_181829.3, NM_001407058.1); c.742C>T, p.Leu248Phe (NM_001407055.1, NM_181828.3); c.733C>T, p.Leu245Phe (NM_001407057.1, NM_001407059.1); c.868C>T, p.Leu290Phe (NM_181825.3, NM_181832.3, NM_001407060.1 and 2 more transcripts); c.619C>T, p.Leu207Phe (NM_181830.3, NM_181831.3, NM_001407063.1 and 1 more transcripts); c.447+22762C>T (NM_181833.3); c.610C>T, p.Leu204Phe (NM_001407062.1); and 2 more; short protein forms L112F, L249F, L204F, L248F, L290F, L213F, L252F, L207F.
Identifiers: ClinVar variation 3299432 (VCV003299432.1).